The following is an entry in ClinVar:

NM_001042492.3(NF1):c.5158G>A (p.Glu1720Lys)

Gene: NF1 (neurofibromin 1; plus strand). Cytogenetic location: 17q11.2.
Variant type: single nucleotide variant.
Coding change: c.5158G>A on transcript NM_001042492.3 (MANE Select); coding-DNA position 5158, G replaced by A.
Protein change: p.Glu1720Lys; replaces glutamic acid 1720 with lysine.
Molecular consequence: missense variant.
Genome position (GRCh38, 1-based): chr17:31,326,142, G>A. VCF-style: chr17-31326142-G-A. GRCh37 (hg19) VCF-style: chr17-29653160-G-A.
Other names: c.5095G>A, p.Glu1699Lys (NM_000267.4); short protein forms E1699K, E1720K.
Identifiers: ClinVar variation 2731022 (VCV002731022.3), dbSNP rs2069335393, ClinGen allele CA399007836.
Genomic context (GRCh38, chr17:31,326,142, plus strand): 5'-CTCAAAGGTAGCAAAAGGCTTGTTTTCATAGACTGTCCTGGGAAACTGGCTGAGCACATA[G>A]AGCATGAACAACAGAAACTACCTGCTGCCACCTTGGCTTTAGAAGAGGACCTGAAGGTAT-3'
Protein context (NP_001035957.1, residues 1710-1730): DCPGKLAEHI[Glu1720Lys]HEQQKLPAAT

ClinVar aggregate classification (germline): Uncertain significance (1 of 4 stars; one submission).

Conditions:
Neurofibromatosis, type 1 (NF1). Also called: Neurofibromatosis, type I; NEUROFIBROMATOSIS, TYPE I, SOMATIC; Peripheral type neurofibromatosis; VON RECKLINGHAUSEN DISEASE. Identifiers: Orphanet 636, MedGen C0027831, MONDO:0018975, OMIM 162200. Disease mechanism: loss of function.

Submission:

Labcorp Genetics (formerly Invitae), Labcorp
Classification: Uncertain significance for Neurofibromatosis, type 1. Last evaluated: 2025-12-05. Review status: criteria provided, single submitter. Criteria: Invitae Variant Classification Sherloc (09022015). Collection method: clinical testing. Allele origin: germline.
Comment: This sequence change replaces glutamic acid, which is acidic and polar, with lysine, which is basic and polar, at codon 1699 of the NF1 protein (p.Glu1699Lys). This variant is not present in population databases (gnomAD no frequency). This variant has not been reported in the literature in individuals affected with NF1-related conditions. ClinVar contains an entry for this variant (Variation ID: 2731022). Invitae Evidence Modeling of protein sequence and biophysical properties (such as structural, functional, and spatial information, amino acid conservation, physicochemical variation, residue mobility, and thermodynamic stability) indicates that this missense variant is not expected to disrupt NF1 protein function with a negative predictive value of 95%. In summary, the available evidence is currently insufficient to determine the role of this variant in disease. Therefore, it has been classified as a Variant of Uncertain Significance.